The following is an entry in ClinVar:

ClinVar aggregate classification (germline): Conflicting classifications of pathogenicity. Review status: criteria provided, conflicting classifications (1 of 4 stars). 3 submissions from 3 submitters: Uncertain significance (2); Likely benign (1). Last evaluated 2026-01-05.

Conditions:
Cardiovascular phenotype. Identifiers: MedGen CN230736.
Dilated cardiomyopathy 1O (CMD1O). Also called: CARDIOMYOPATHY, DILATED, WITH VENTRICULAR TACHYCARDIA. Identifiers: Orphanet 154, MedGen C1837839, MONDO:0012062, OMIM 608569.

Allele frequency attached by ClinVar (database versions not stated): gnomAD 0.00007 and 0.00006; ESP Exome Variant Server 0.00008; 1000 Genomes Project 0.00020; TOPMed 0.00005; ExAC 0.00002; gnomAD exomes 0.00002; 1000 Genomes Project 30x 0.00016.
gnomAD v4.1: 36 of 1,612,436 alleles (0.0022%); highest among the groups gnomAD compares: South Asian, 0.0033%; no homozygotes.

Submissions (3):

Labcorp Genetics (formerly Invitae), Labcorp
Classification: Uncertain significance for Dilated cardiomyopathy 1O. Last evaluated: 2026-01-05. Review status: criteria provided, single submitter. Criteria: Invitae Variant Classification Sherloc (09022015). Collection method: clinical testing. Allele origin: germline.
Comment: This sequence change replaces threonine, which is neutral and polar, with methionine, which is neutral and non-polar, at codon 1223 of the ABCC9 protein (p.Thr1223Met). This variant is present in population databases (rs137907278, gnomAD 0.004%). This missense change has been observed in individual(s) with sudden unexpected infant death (PMID: 38895864). ClinVar contains an entry for this variant (Variation ID: 178000). An algorithm developed to predict the effect of missense changes on protein structure and function (PolyPhen-2) suggests that this variant is likely to be tolerated. In summary, the available evidence is currently insufficient to determine the role of this variant in disease. Therefore, it has been classified as a Variant of Uncertain Significance.

Ambry Genetics
Classification: Likely benign for Cardiovascular phenotype. Last evaluated: 2022-11-05. Review status: criteria provided, single submitter. Criteria: Ambry Variant Classification Scheme 2023. Collection method: clinical testing. Allele origin: germline.

Laboratory for Molecular Medicine, Mass General Brigham Personalized Medicine
Classification: Uncertain significance. Last evaluated: 2013-10-04. Review status: criteria provided, single submitter. Criteria: LMM Criteria. Collection method: clinical testing. Allele origin: germline. Observed: 1 variant allele.
Comment: The Thr1223Met variant in ABCC9 has not been previously reported in individuals with cardiomyopathy, but has been identified in 1/8600 European American chromos omes by the NHLBI Exome Sequencing Project a s well as 0.9% (1/110) of Puerto Rican chromosomes by the 1000 Genomes Project ( dbSNP rs137907278). Although threonine at position 1223 is highly conserved in m ammals and across evolutionarily distant species, this variant has been identifi ed in at least one bird species (chicken) suggesting that this variant may be to lerated. Computational analyses (biochemical amino acid properties, AlignGVGD, P olyPhen2, and SIFT) suggest that the Thr1223Met variant may not impact the prote in, though this information is not predictive enough to rule out pathogenicity. Additional information is needed to fully assess the clinical significance of th e Thr1223Met variant.

Literature cited by the submitters: PubMed 38895864 (cited by Labcorp Genetics (formerly Invitae), Labcorp).

NM_020297.4(ABCC9):c.3668C>T (p.Thr1223Met)

Genes: KCNJ8-AS1 (KCNJ8 antisense RNA 1; plus strand), ABCC9 (ATP binding cassette subfamily C member 9; minus strand). Cytogenetic location: 12p12.1.
Variant type: single nucleotide variant.
Coding change: c.3668C>T on transcript NM_020297.4 (MANE Select); coding-DNA position 3668, C replaced by T.
Protein change: p.Thr1223Met; replaces threonine 1223 with methionine.
Molecular consequence: missense variant.
Genome position (GRCh38, 1-based): chr12:21,828,959, G>A on the plus strand (C>T on the coding strand, the complement: ABCC9 is on the minus strand). VCF-style: chr12-21828959-G-A. GRCh37 (hg19) VCF-style: chr12-21981893-G-A.
Other names: c.3668C>T, p.Thr1223Met (NM_001377273.1, NM_005691.4); c.2801C>T, p.Thr934Met (NM_001377274.1); short protein forms T1223M, T934M.
Identifiers: ClinVar variation 178000 (VCV000178000.13), dbSNP rs137907278, ClinGen allele CA181141.